The following is an entry in ClinVar:

NM_001378457.1(DMXL2):c.3481C>G (p.Leu1161Val)

Gene: DMXL2 (Dmx like 2; minus strand). Cytogenetic location: 15q21.2.
Variant type: single nucleotide variant.
Coding change: c.3481C>G on transcript NM_001378457.1 (MANE Select); coding-DNA position 3481, C replaced by G.
Protein change: p.Leu1161Val; replaces leucine 1161 with valine.
Molecular consequence: missense variant. On other transcripts: non-coding transcript variant (2), intron variant (2).
Genome position (GRCh38, 1-based): chr15:51,499,743, G>C on the plus strand (C>G on the coding strand, the complement: DMXL2 is on the minus strand). VCF-style: chr15-51499743-G-C. GRCh37 (hg19) VCF-style: chr15-51791940-G-C.
Other names: c.3481C>G, p.Leu1161Val (NM_001174116.3, NM_001378458.1, NM_001378459.1 and 4 more transcripts); c.3241C>G, p.Leu1081Val (NM_001378464.1); c.2764+7391C>G (NM_001378460.1); c.2765-4609C>G (NM_001174117.3); short protein forms L1081V, L1161V.
Identifiers: ClinVar variation 2091757 (VCV002091757.4), dbSNP rs2548508659, ClinGen allele CA392435756.

ClinVar aggregate classification (germline): Uncertain significance (1 of 4 stars; one submission).

Submission:

Labcorp Genetics (formerly Invitae), Labcorp
Classification: Uncertain significance. Last evaluated: 2022-02-02. Review status: criteria provided, single submitter. Criteria: Invitae Variant Classification Sherloc (09022015). Collection method: clinical testing. Allele origin: germline.
Comment: This sequence change replaces leucine, which is neutral and non-polar, with valine, which is neutral and non-polar, at codon 1161 of the DMXL2 protein (p.Leu1161Val). In summary, the available evidence is currently insufficient to determine the role of this variant in disease. Therefore, it has been classified as a Variant of Uncertain Significance. Algorithms developed to predict the effect of missense changes on protein structure and function (SIFT, PolyPhen-2, Align-GVGD) all suggest that this variant is likely to be tolerated. This variant has not been reported in the literature in individuals affected with DMXL2-related conditions. This variant is not present in population databases (gnomAD no frequency).